The following is an entry in ClinVar:

ClinVar aggregate classification (germline): Uncertain significance (1 of 4 stars; one submission).

Conditions:
Hypogonadotropic hypogonadism 2 with or without anosmia (HH2). Also called: HYPOGONADOTROPIC HYPOGONADISM 2 WITHOUT ANOSMIA; FGFR1-Related GnRH Deficiency (Kallmann Syndrome 2); HYPOGONADOTROPIC HYPOGONADISM 2 WITH OR WITHOUT ANOSMIA, SUSCEPTIBILITY TO; HYPOGONADOTROPIC HYPOGONADISM 2 WITHOUT ANOSMIA, SUSCEPTIBILITY TO. Identifiers: Orphanet 478, MedGen C1563720, MONDO:0007844, OMIM 147950. Disease mechanism: loss of function.
Pfeiffer syndrome (ACS5). Also called: ACS V. Identifiers: Orphanet 710, MedGen C0220658, MONDO:0007043, OMIM 101600.

gnomAD v4.1: 1 of 1,614,158 alleles (0.000062%); highest among the groups gnomAD compares: Non-Finnish European, 0.000085%; no homozygotes.

Submission:

Labcorp Genetics (formerly Invitae), Labcorp
Classification: Uncertain significance for Pfeiffer syndrome; Hypogonadotropic hypogonadism 2 with or without anosmia. Last evaluated: 2025-09-10. Review status: criteria provided, single submitter. Criteria: Invitae Variant Classification Sherloc (09022015). Collection method: clinical testing. Allele origin: germline.
Comment: This sequence change replaces alanine, which is neutral and non-polar, with serine, which is neutral and polar, at codon 413 of the FGFR1 protein (p.Ala413Ser). This variant is not present in population databases (gnomAD no frequency). This variant has not been reported in the literature in individuals affected with FGFR1-related conditions. Invitae Evidence Modeling of protein sequence and biophysical properties (such as structural, functional, and spatial information, amino acid conservation, physicochemical variation, residue mobility, and thermodynamic stability) indicates that this missense variant is not expected to disrupt FGFR1 protein function with a negative predictive value of 80%. In summary, the available evidence is currently insufficient to determine the role of this variant in disease. Therefore, it has been classified as a Variant of Uncertain Significance.

NM_023110.3(FGFR1):c.1237G>T (p.Ala413Ser)

Gene: FGFR1 (fibroblast growth factor receptor 1; minus strand). Cytogenetic location: 8p11.23.
Variant type: single nucleotide variant.
Coding change: c.1237G>T on transcript NM_023110.3 (MANE Select); coding-DNA position 1237, G replaced by T.
Protein change: p.Ala413Ser; replaces alanine 413 with serine.
Molecular consequence: missense variant.
Genome position (GRCh38, 1-based): chr8:38,419,580, C>A on the plus strand (G>T on the coding strand, the complement: FGFR1 is on the minus strand). VCF-style: chr8-38419580-C-A. GRCh37 (hg19) VCF-style: chr8-38277098-C-A.
Other names: c.1237G>T, p.Ala413Ser (NM_001174063.2); c.1213G>T, p.Ala405Ser (NM_001174064.2); c.1231G>T, p.Ala411Ser (NM_001174065.2, NM_001354367.2, NM_001354369.2 and 2 more transcripts); c.970G>T, p.Ala324Ser (NM_001174066.2, NM_023105.3); c.1330G>T, p.Ala444Ser (NM_001174067.2); c.964G>T, p.Ala322Ser (NM_001354368.2, NM_001354370.2, NM_023106.3); short protein forms A324S, A411S, A405S, A444S, A322S, A413S.
Identifiers: ClinVar variation 4789777 (VCV004789777.1).